The following is an entry in ClinVar:

NM_000059.4(BRCA2):c.2884_2908del (p.His962fs)

Gene: BRCA2 (BRCA2 DNA repair associated; plus strand). Cytogenetic location: 13q13.1.
Variant type: Deletion.
Coding change: c.2884_2908del on transcript NM_000059.4 (MANE Select); coding-DNA positions 2884 to 2908, 25 bases deleted (CATATAAAAATGACTCTAGGTCAAG).
Protein change: p.His962fs; shifts the reading frame from histidine 962.
Molecular consequence: frameshift variant.
Genome position (GRCh38, 1-based): chr13:32,337,239-32,337,263, CATATAAAAATGACTCTAGGTCAAG deleted; deleting any 25 consecutive bases within chr13:32,337,237-32,337,263 gives the same sequence; the c. name uses the placement nearest the transcript's 3' end. VCF-style (leftmost placement, unchanged base first): chr13-32337236-CAGCATATAAAAATGACTCTAGGTCA-C. GRCh37 (hg19) VCF-style: chr13-32911373-CAGCATATAAAAATGACTCTAGGTCA-C.
Other names: c.2884_2908delCATATAAAAATGACTCTAGGTCAAG (NM_000059.3); short protein forms H962fs.
Identifiers: ClinVar variation 462279 (VCV000462279.7), dbSNP rs1555282923, ClinGen allele CA658656395.

ClinVar aggregate classification (germline): Pathogenic (1 of 4 stars; one submission).

Conditions:
Hereditary breast ovarian cancer syndrome. Also called: Hereditary breast and ovarian cancer syndrome (HBOC); Hereditary breast and ovarian cancer syndrome; Breast and ovarian cancer; Hereditary breast and/or ovarian cancer syndrome; Hereditary breast and ovarian cancer; BRCA1- and BRCA2-Associated Hereditary Breast and Ovarian Cancer. Identifiers: Orphanet 145, MedGen C0677776, MeSH D061325, MONDO:0003582. Disease mechanism: loss of function.

Submission:

Labcorp Genetics (formerly Invitae), Labcorp
Classification: Pathogenic for Hereditary breast ovarian cancer syndrome. Last evaluated: 2017-03-26. Review status: criteria provided, single submitter. Criteria: Invitae Variant Classification Sherloc (09022015). Collection method: clinical testing. Allele origin: germline.
Comment: This sequence change deletes 25 nucleotides from exon 11 of the BRCA2 mRNA (c.2884_2908del), causing a frameshift at codon 962. This creates a premature translational stop signal (p.His962Ilefs*2) and is expected to result in an absent or disrupted protein product. While this particular variant has not been reported in the literature, loss-of-function variants in BRCA2 are known to be pathogenic (PMID: 20104584). For these reasons, this variant has been classified as Pathogenic.

Literature cited by the submitters: PubMed 20104584.